The following is an entry in ClinVar:

ClinVar aggregate classification (germline): Likely pathogenic (1 of 4 stars; one submission).

Conditions:
Renal carnitine transport defect (CDSP). Also called: Primary carnitine deficiency; Systemic primary carnitine deficiency; Carnitine transporter deficiency; Carnitine Deficiency, Systemic; CARNITINE DEFICIENCY, SYSTEMIC, DUE TO DEFECT IN RENAL REABSORPTION OF CARNITINE; CARNITINE TRANSPORTER, PLASMA-MEMBRANE, DEFICIENCY OF. Identifiers: Orphanet 158, MedGen C0342788, MONDO:0008919, OMIM 212140.

Submission:

Juno Genomics, Hangzhou Juno Genomics, Inc
Classification: Likely pathogenic for Renal carnitine transport defect. Review status: criteria provided, single submitter. Criteria: ACMG Guidelines, 2015. Collection method: clinical testing. Allele origin: germline. Affected: yes.
Comment: Absent from controls (or at extremely low frequency if recessive) in Genome Aggregation Database, Exome Sequencing Project, 1000 Genomes Project, or Exome Aggregation Consortium.;Null variant in a gene where loss of function (LOF) is a known mechanism of disease.

NM_003060.4(SLC22A5):c.861_864dup (p.Arg289fs)

Gene: SLC22A5 (solute carrier family 22 member 5; plus strand). Cytogenetic location: 5q31.1.
Variant type: Duplication.
Coding change: c.861_864dup on transcript NM_003060.4 (MANE Select); coding-DNA positions 861 to 864, 4 bases duplicated (GGGA; older notation c.861_864dupGGGA).
Protein change: p.Arg289fs; shifts the reading frame from arginine 289.
Molecular consequence: frameshift variant.
Genome position (GRCh38, 1-based): chr5:132,387,061-132,387,064, GGGA duplicated; duplicating any 4 consecutive bases within chr5:132,387,060-132,387,064 gives the same sequence; the c. name uses the placement nearest the transcript's 3' end. VCF-style (leftmost placement, unchanged base first): chr5-132387059-C-CAGGG. GRCh37 (hg19) VCF-style: chr5-131722751-C-CAGGG.
Other names: c.933_936dup, p.Arg313fs (NM_001308122.2); short protein forms R289fs, R313fs.
Identifiers: ClinVar variation 4796538 (VCV004796538.1).